The following is an entry in ClinVar:

NM_001129.5(AEBP1):c.2987T>C (p.Met996Thr)

Gene: AEBP1 (AE binding protein 1; plus strand). Cytogenetic location: 7p13.
Variant type: single nucleotide variant.
Coding change: c.2987T>C on transcript NM_001129.5 (MANE Select); coding-DNA position 2987, T replaced by C.
Protein change: p.Met996Thr; replaces methionine 996 with threonine.
Molecular consequence: missense variant.
Genome position (GRCh38, 1-based): chr7:44,113,771, T>C. VCF-style: chr7-44113771-T-C. GRCh37 (hg19) VCF-style: chr7-44153370-T-C.
Other names: c.2987T>C (NM_001129.4); short protein forms M996T.
Identifiers: ClinVar variation 2084961 (VCV002084961.7), dbSNP rs551347012, ClinGen allele CA4238374.

ClinVar aggregate classification (germline): Benign/Likely benign. Review status: criteria provided, multiple submitters, no conflicts (2 of 4 stars). 3 submissions from 3 submitters: Benign (1); Likely benign (1). 1 of the submissions does not count toward it. Last evaluated 2025-12-03.

Conditions:
AEBP1-related disorder. Also called: AEBP1-related condition.

Allele frequency attached by ClinVar (database versions not stated): TOPMed 0.00005; gnomAD 0.00030; gnomAD exomes 0.00042; ExAC 0.00115; 1000 Genomes Project 0.00280; 1000 Genomes Project 30x 0.00281.
gnomAD v4.1: 684 of 1,614,106 alleles (0.042%); highest among the groups gnomAD compares: South Asian, 0.69%; 4 homozygotes.

Submissions (3):

Labcorp Genetics (formerly Invitae), Labcorp
Classification: Benign. Last evaluated: 2025-12-03. Review status: criteria provided, single submitter. Criteria: Invitae Variant Classification Sherloc (09022015). Collection method: clinical testing. Allele origin: germline.

Blueprint Genetics
Classification: Likely benign. Last evaluated: 2024-11-13. Review status: criteria provided, single submitter. Criteria: ACMG Guidelines, 2015. Collection method: clinical testing. Allele origin: germline.

PreventionGenetics, part of Exact Sciences
Classification: Benign for AEBP1-related condition. Last evaluated: 2019-08-27. Review status: no assertion criteria provided. Collection method: clinical testing. Allele origin: germline. Not counted in ClinVar's aggregate classification.
Comment: This variant is classified as benign based on ACMG/AMP sequence variant interpretation guidelines (Richards et al. 2015 PMID: 25741868, with internal and published modifications).